The following is an entry in ClinVar:

NM_015311.3(OBSL1):c.3310G>A (p.Glu1104Lys)

Gene: OBSL1 (obscurin like cytoskeletal adaptor 1; minus strand). Cytogenetic location: 2q35.
Variant type: single nucleotide variant.
Coding change: c.3310G>A on transcript NM_015311.3 (MANE Select); coding-DNA position 3310, G replaced by A.
Protein change: p.Glu1104Lys; replaces glutamic acid 1104 with lysine.
Molecular consequence: missense variant.
Genome position (GRCh38, 1-based): chr2:219,558,376, C>T on the plus strand (G>A on the coding strand, the complement: OBSL1 is on the minus strand). VCF-style: chr2-219558376-C-T. GRCh37 (hg19) VCF-style: chr2-220423098-C-T.
Other names: c.3310G>A, p.Glu1104Lys (NM_001173431.2); short protein forms E1104K.
Identifiers: ClinVar variation 1905286 (VCV001905286.5), dbSNP rs1282172941, ClinGen allele CA350737853.

ClinVar aggregate classification (germline): Uncertain significance (1 of 4 stars; one submission).

Allele frequency attached by ClinVar (database versions not stated): TOPMed 0.00001.
gnomAD v4.1: 7 of 1,610,876 alleles (0.00043%); highest among the groups gnomAD compares: Non-Finnish European, 0.00059%; no homozygotes.

Submission:

Labcorp Genetics (formerly Invitae), Labcorp
Classification: Uncertain significance. Last evaluated: 2022-06-14. Review status: criteria provided, single submitter. Criteria: Invitae Variant Classification Sherloc (09022015). Collection method: clinical testing. Allele origin: germline.
Comment: This variant is not present in population databases (gnomAD no frequency). In summary, the available evidence is currently insufficient to determine the role of this variant in disease. Therefore, it has been classified as a Variant of Uncertain Significance. Algorithms developed to predict the effect of missense changes on protein structure and function output the following: SIFT: "Deleterious"; PolyPhen-2: "Benign"; Align-GVGD: "Class C0". The lysine amino acid residue is found in multiple mammalian species, which suggests that this missense change does not adversely affect protein function. This variant has not been reported in the literature in individuals affected with OBSL1-related conditions. This sequence change replaces glutamic acid, which is acidic and polar, with lysine, which is basic and polar, at codon 1104 of the OBSL1 protein (p.Glu1104Lys).